The following is an entry in ClinVar:

NM_005612.5(REST):c.898+3A>G

Gene: REST (RE1 silencing transcription factor; plus strand). Cytogenetic location: 4q12.
Variant type: single nucleotide variant.
Coding change: c.898+3A>G on transcript NM_005612.5 (MANE Select); 3 bases into the intron after coding-DNA position 898, A replaced by G.
Molecular consequence: intron variant.
Genome position (GRCh38, 1-based): chr4:56,911,539, A>G. VCF-style: chr4-56911539-A-G. GRCh37 (hg19) VCF-style: chr4-57777705-A-G.
Other names: c.898+3A>G (NM_001440532.1, NM_001363453.3, NM_001193508.2 and 1 more transcripts).
Identifiers: ClinVar variation 3006879 (VCV003006879.3), dbSNP rs2475801327, ClinGen allele CA645523220.

ClinVar aggregate classification (germline): Uncertain significance (1 of 4 stars; one submission).

Submission:

Labcorp Genetics (formerly Invitae), Labcorp
Classification: Uncertain significance. Last evaluated: 2022-12-20. Review status: criteria provided, single submitter. Criteria: Invitae Variant Classification Sherloc (09022015). Collection method: clinical testing. Allele origin: germline.
Comment: In summary, the available evidence is currently insufficient to determine the role of this variant in disease. Therefore, it has been classified as a Variant of Uncertain Significance. Variants that disrupt the consensus splice site are a relatively common cause of aberrant splicing (PMID: 17576681, 9536098). Algorithms developed to predict the effect of sequence changes on RNA splicing suggest that this variant is not likely to affect RNA splicing. This variant has not been reported in the literature in individuals affected with REST-related conditions. This variant is not present in population databases (gnomAD no frequency). This sequence change falls in intron 2 of the REST gene. It does not directly change the encoded amino acid sequence of the REST protein. It affects a nucleotide within the consensus splice site.

Literature cited by the submitters: PubMed 17576681; PubMed 9536098.